The following is an entry in ClinVar:

GRCh37/hg19 2p23.3(chr2:24807000-25700000)x3

Genes: ADCY3 (adenylate cyclase 3; minus strand), CENPO (centromere protein O; plus strand), DNAJC27 (DnaJ heat shock protein family (Hsp40) member C27; minus strand), DNMT3A (DNA methyltransferase 3 alpha; minus strand), DTNB (dystrobrevin beta; minus strand) and 4 more. Cytogenetic location: 2p23.3.
Variant type: copy number gain.
Change: copy number 3 (three copies instead of two) of chr2:24,807,000-25,700,000 (893.0 kb, GRCh37 coordinates, 1-based), cytogenetic band 2p23.3.
Identifiers: ClinVar variation 559502 (VCV000559502.2).

ClinVar aggregate classification (germline): Uncertain significance (0 of 4 stars; one submission).

Conditions:
Fetal growth restriction (IUGR). Also called: Intrauterine growth restriction; Intrauterine growth retardation; Intra uterine growth retardation. Identifiers: MedGen C0015934, MONDO:0005030, HP:0001511.
Narrow nasal bridge. Identifiers: MedGen C4551564, HP:0000446.
Mandibular prognathia. Also called: Habsburg jaw; Hapsburg jaw; Class III malocclusion. Identifiers: Orphanet 2964, MedGen C0399526, MeSH D008313, MONDO:0008312, OMIM 176700, HP:0000303.
Delayed speech and language development. Also called: Language delay. Identifiers: MedGen C0454644, HP:0000750.
Seizure. Also called: Seizures. Identifiers: MedGen C0036572, HP:0001250.

Submission:

Medical Genetics Lab, Policlinico S. Orsola.Malpighi
Classification: Uncertain significance. Last evaluated: 2018-05-01. Review status: no assertion criteria provided. Collection method: clinical testing. Allele origin: de novo. Inheritance: Sporadic. Affected: yes.
Comment: This dup2p23.3 is a rare, de novo duplication. DECIPHER reports two de novo duplications of 2 Mb defined as pathogenic. An overlapping duplication (involving DNMT3A) is reported in the literature in mother and child with short stature.

Literature cited by the submitters: DOI 10.1016/j.gene.2019.05.007.